The following is an entry in ClinVar:

NM_001376.5(DYNC1H1):c.5251G>T (p.Val1751Phe)

Gene: DYNC1H1 (dynein cytoplasmic 1 heavy chain 1; plus strand). Cytogenetic location: 14q32.31.
Variant type: single nucleotide variant.
Coding change: c.5251G>T on transcript NM_001376.5 (MANE Select); coding-DNA position 5251, G replaced by T.
Protein change: p.Val1751Phe; replaces valine 1751 with phenylalanine.
Molecular consequence: missense variant.
Genome position (GRCh38, 1-based): chr14:102,005,054, G>T. VCF-style: chr14-102005054-G-T. GRCh37 (hg19) VCF-style: chr14-102471391-G-T.
Other names: short protein forms V1751F.
Identifiers: ClinVar variation 652736 (VCV000652736.8), dbSNP rs1441272851, ClinGen allele CA391046051.

ClinVar aggregate classification (germline): Uncertain significance (1 of 4 stars; one submission).

Conditions:
Charcot-Marie-Tooth disease axonal type 2O. Also called: CHARCOT-MARIE-TOOTH DISEASE, AXONAL, AUTOSOMAL DOMINANT, TYPE 2O; CHARCOT-MARIE-TOOTH NEUROPATHY, AXONAL, TYPE 2O; Charcot-Marie-Tooth disease, axonal, type 20; Charcot-Marie-Tooth Neuropathy Type 2O. Identifiers: Orphanet 284232, MedGen C3280220, MONDO:0013644, OMIM 614228.

Allele frequency attached by ClinVar (database versions not stated): gnomAD 0.00001; TOPMed 0.00001.

Submission:

Labcorp Genetics (formerly Invitae), Labcorp
Classification: Uncertain significance for Charcot-Marie-Tooth disease axonal type 2O. Last evaluated: 2024-07-08. Review status: criteria provided, single submitter. Criteria: Invitae Variant Classification Sherloc (09022015). Collection method: clinical testing. Allele origin: germline.
Comment: This sequence change replaces valine, which is neutral and non-polar, with phenylalanine, which is neutral and non-polar, at codon 1751 of the DYNC1H1 protein (p.Val1751Phe). This variant is not present in population databases (gnomAD no frequency). This variant has not been reported in the literature in individuals affected with DYNC1H1-related conditions. ClinVar contains an entry for this variant (Variation ID: 652736). Advanced modeling of protein sequence and biophysical properties (such as structural, functional, and spatial information, amino acid conservation, physicochemical variation, residue mobility, and thermodynamic stability) performed at Invitae indicates that this missense variant is expected to disrupt DYNC1H1 protein function with a positive predictive value of 95%. In summary, the available evidence is currently insufficient to determine the role of this variant in disease. Therefore, it has been classified as a Variant of Uncertain Significance.